The following is an entry in ClinVar:

ClinVar aggregate classification (germline): Uncertain significance. Review status: criteria provided, multiple submitters, no conflicts (2 of 4 stars). 2 submissions from 2 submitters: Uncertain significance (2). Last evaluated 2025-05-19.

Conditions:
Joubert syndrome 21 (JBTS21). Identifiers: MedGen C3810212, MONDO:0014288, OMIM 615636.
Inborn genetic diseases. Identifiers: MedGen C0950123, MeSH D030342.

Allele frequency attached by ClinVar (database versions not stated): gnomAD exomes 0.00001 and 0.00004; ExAC 0.00002.
gnomAD v4.1: 20 of 1,613,634 alleles (0.0012%); highest among the groups gnomAD compares: South Asian, 0.02%; no homozygotes.

Submissions (2):

Ambry Genetics
Classification: Uncertain significance for Inborn genetic diseases. Last evaluated: 2025-05-19. Review status: criteria provided, single submitter. Criteria: Ambry Variant Classification Scheme 2023. Collection method: clinical testing. Allele origin: germline.

Labcorp Genetics (formerly Invitae), Labcorp
Classification: Uncertain significance for Joubert syndrome 21. Last evaluated: 2024-01-18. Review status: criteria provided, single submitter. Criteria: Invitae Variant Classification Sherloc (09022015). Collection method: clinical testing. Allele origin: germline.
Comment: This sequence change replaces serine, which is neutral and polar, with arginine, which is basic and polar, at codon 531 of the CSPP1 protein (p.Ser531Arg). This variant is present in population databases (rs763307442, gnomAD 0.03%). This variant has not been reported in the literature in individuals affected with CSPP1-related conditions. ClinVar contains an entry for this variant (Variation ID: 1502116). An algorithm developed to predict the effect of missense changes on protein structure and function (PolyPhen-2) suggests that this variant is likely to be tolerated. In summary, the available evidence is currently insufficient to determine the role of this variant in disease. Therefore, it has been classified as a Variant of Uncertain Significance.

NM_001382391.1(CSPP1):c.1606A>C (p.Ser536Arg)

Gene: CSPP1 (centrosome and spindle pole associated protein 1; plus strand). Cytogenetic location: 8q13.2.
Variant type: single nucleotide variant.
Coding change: c.1606A>C on transcript NM_001382391.1 (MANE Select); coding-DNA position 1606, A replaced by C.
Protein change: p.Ser536Arg; replaces serine 536 with arginine.
Molecular consequence: missense variant.
Genome position (GRCh38, 1-based): chr8:67,118,357, A>C. VCF-style: chr8-67118357-A-C. GRCh37 (hg19) VCF-style: chr8-68030592-A-C.
Other names: c.709A>C, p.Ser237Arg (NM_001291339.2); c.1525A>C, p.Ser509Arg (NM_001363131.2); c.1564A>C, p.Ser522Arg (NM_001363132.2); c.1483A>C, p.Ser495Arg (NM_001363133.2); c.1672A>C, p.Ser558Arg (NM_001364869.1); c.1492A>C, p.Ser498Arg (NM_001364870.1); c.1591A>C, p.Ser531Arg (NM_024790.7); short protein forms S495R, S509R, S558R, S237R, S498R, S522R, S531R, S536R.
Identifiers: ClinVar variation 1502116 (VCV001502116.9), dbSNP rs763307442, ClinGen allele CA4770580.